The following is an entry in ClinVar:

ClinVar aggregate classification (germline): Likely pathogenic (1 of 4 stars; one submission).

Conditions:
X-linked complicated corpus callosum dysgenesis. Also called: X-Linked Complicated Corpus Callosum Agenesis. Identifiers: Orphanet 1497, MedGen C1839909, MONDO:0010569, OMIM 304100.
MASA syndrome. Also called: MENTAL RETARDATION, APHASIA, SHUFFLING GAIT, AND ADDUCTED THUMBS; MASA Syndrome (Mental Retardation, Adducted Thumbs, Shuffling Gait, and Aphasia); SPASTIC PARAPLEGIA 1, X-LINKED; CRASH syndrome; MASA (Mental Retardation, Adducted Thumbs, Shuffling Gait, Aphasia) Syndrome, Including SPG1 (X-Linked Complicated Hereditary Spastic Paraplegia Type 1); ADDUCTED THUMB WITH MENTAL RETARDATION. Identifiers: Orphanet 2466, MedGen C0795953, MONDO:0010559, OMIM 303350.
X-linked hydrocephalus syndrome (HYCX). Also called: AQUEDUCTAL STENOSIS, X-LINKED; X-Linked Hydrocephalus with Stenosis of the Aqueduct of Sylvius; HYDROCEPHALUS, CONGENITAL, X-LINKED; X-Linked Hydrocephalus with Stenosis of the Aqueduct of Sylvius (HSAS); X-linked hydrocephalus. Identifiers: Orphanet 2182, MedGen C0265216, MONDO:0010611, OMIM 307000.

Submission:

Juno Genomics, Hangzhou Juno Genomics, Inc
Classification: Likely pathogenic for X-linked complicated corpus callosum dysgenesis; X-linked hydrocephalus syndrome; MASA syndrome. Review status: criteria provided, single submitter. Criteria: ACMG Guidelines, 2015. Collection method: clinical testing. Allele origin: germline.
Comment: Null variant in a gene where loss of function (LOF) is a known mechanism of disease.;Absent from controls (or at extremely low frequency if recessive) in Genome Aggregation Database.

NM_001278116.2(L1CAM):c.3256del (p.Tyr1086fs)

Gene: L1CAM (L1 cell adhesion molecule; minus strand). Cytogenetic location: Xq28.
Variant type: Deletion.
Coding change: c.3256del on transcript NM_001278116.2 (MANE Select); coding-DNA position 3256, one base deleted (T; older notation c.3256delT).
Protein change: p.Tyr1086fs; shifts the reading frame from tyrosine 1086.
Molecular consequence: frameshift variant.
Genome position (GRCh38, 1-based): chrX:153,864,388, A deleted on the plus strand (T on the coding strand, the reverse complement: L1CAM is on the minus strand). VCF-style (leftmost placement, unchanged base first): chrX-153864387-TA-T. GRCh37 (hg19) VCF-style: chrX-153129842-TA-T.
Other names: c.3256del, p.Tyr1086fs (NM_000425.5, NM_024003.3); c.3241del, p.Tyr1081fs (NM_001143963.2); short protein forms Y1086fs, Y1081fs.
Identifiers: ClinVar variation 5007521 (VCV005007521.2).
Genomic context (GRCh38, chrX:153,864,387, plus strand): 5'-CCATTGGTCTTCACAGCCATTTGGTGCCGGAACATCCTCTCCTTAAACAAGTGGATCTCG[TA>T]GTCAGTGTCAGGCTGCAGGTCCCACTGCGTGTAGGAGCTCTGGTTGTAGCTGACATACTG-3'